The following is an entry in ClinVar:

NM_000493.4(COL10A1):c.413_1482del (p.Arg138fs)

Genes: COL10A1 (collagen type X alpha 1 chain; minus strand), NT5DC1 (5'-nucleotidase domain containing 1; plus strand). Cytogenetic location: 6q22.1.
Variant type: Deletion.
Coding change: c.413_1482del on transcript NM_000493.4 (MANE Select); coding-DNA positions 413 to 1482, 1,070 bases deleted.
Protein change: p.Arg138fs; shifts the reading frame from arginine 138.
Molecular consequence: frameshift variant. On other transcripts: intron variant (1).
Genome position (GRCh38, 1-based): chr6:116,120,634-116,121,703, 1,070 bases deleted. GRCh37 (hg19): chr6:116,441,797-116,442,866.
Other names: c.413_1482del, p.Arg138fs (NM_001424106.1, NM_001424107.1); c.529+2689_529+3758del (NM_152729.3); short protein forms R138fs.
Identifiers: ClinVar variation 4884422 (VCV004884422.1).

ClinVar aggregate classification (germline): Likely benign (1 of 4 stars; one submission).

Conditions:
Metaphyseal chondrodysplasia, Schmid type (MCDS). Also called: SPONDYLOMETAPHYSEAL DYSPLASIA, JAPANESE TYPE. Identifiers: Orphanet 174, MedGen C0265289, MONDO:0007983, OMIM 156500.

Submission:

Institute of Medical Genetics, University of Zurich
Classification: Likely benign for Metaphyseal chondrodysplasia, Schmid type. Last evaluated: 2026-05-04. Review status: criteria provided, single submitter. Criteria: ACMG Guidelines, 2015. Collection method: clinical testing. Allele origin: germline. Inheritance: Autosomal dominant inheritance. Observed: 2 variant alleles.
Comment: The 1070bp deletion (GRCh38(chr6):g.116120634_116121703del) affects exon 3 of the COL10A1 gene (NM_000493.4). The variant is predicted to introduce a premature termination codon. In silico prediction (DECIPHER) suggests a possible escape from nonsense-mediated decay, presumably leading to the synthesis of a truncated protein; however, the functional consequence on protein level remains uncertain. Truncating variants in COL10A1 are associated with autosomal dominant metaphyseal chondrodysplasia, Schmid type (SMCD; OMIM: 156500). The variant has not been previously reported. However, a similar overlapping deletion in the COL10A1 gene (GRCh38(chr6):g.116120631_116121703del) has been described in an individual with features that are not consistent with SMCD (PMID: 32860008). Together, these findings support a classification of this variant as likely benign (ACMG criteria: BS2, BS4_supporting).

Literature cited by the submitters: PubMed 32860008.